The following is an entry in ClinVar:

NM_002439.5(MSH3):c.3182G>C (p.Arg1061Thr)

Gene: MSH3 (mutS homolog 3; plus strand). Cytogenetic location: 5q14.1.
Variant type: single nucleotide variant.
Coding change: c.3182G>C on transcript NM_002439.5 (MANE Select); coding-DNA position 3182, G replaced by C.
Protein change: p.Arg1061Thr; replaces arginine 1061 with threonine.
Molecular consequence: missense variant.
Genome position (GRCh38, 1-based): chr5:80,873,167, G>C. VCF-style: chr5-80873167-G-C. GRCh37 (hg19) VCF-style: chr5-80168986-G-C.
Other names: c.3182G>C (NM_002439.3); short protein forms R1061T.
Identifiers: ClinVar variation 1974991 (VCV001974991.7), dbSNP rs1746251054, ClinGen allele CA360346891.
Genomic context (GRCh38, chr5:80,873,167, plus strand): 5'-ATTTCACAGGCGCAGCAGAACAAGTCCCTGATTTTGTCACCTTCCTTTACCAAATAACTA[G>C]AGGAATTGCAGCAAGGAGTTATGGATTAAATGTGGCTAAACTAGCAGATGTTCCTGGAGA-3'
Protein context (NP_002430.3, residues 1051-1071): DFVTFLYQIT[Arg1061Thr]GIAARSYGLN

ClinVar aggregate classification (germline): Uncertain significance. Review status: criteria provided, multiple submitters, no conflicts (2 of 4 stars). 2 submissions from 2 submitters: Uncertain significance (2). Last evaluated 2023-06-08.

Conditions:
Hereditary cancer-predisposing syndrome. Also called: Hereditary Cancer Syndrome; Neoplastic Syndromes, Hereditary; Tumor predisposition; Hereditary neoplastic syndrome. Identifiers: Orphanet 140162, MedGen C0027672, MeSH D009386, MONDO:0015356.

gnomAD v4.1: 1 of 1,613,682 alleles (0.000062%); highest among the groups gnomAD compares: African/African-American, 0.0013%; no homozygotes.

Submissions (2):

Ambry Genetics
Classification: Uncertain significance for Hereditary cancer-predisposing syndrome. Last evaluated: 2023-06-08. Review status: criteria provided, single submitter. Criteria: Ambry Variant Classification Scheme 2023. Collection method: clinical testing. Allele origin: germline.
Comment: The p.R1061T variant (also known as c.3182G>C), located in coding exon 23 of the MSH3 gene, results from a G to C substitution at nucleotide position 3182. The arginine at codon 1061 is replaced by threonine, an amino acid with similar properties. This amino acid position is conserved. In addition, the in silico prediction for this alteration is inconclusive. Since supporting evidence is limited at this time, the clinical significance of this alteration remains unclear.

Labcorp Genetics (formerly Invitae), Labcorp
Classification: Uncertain significance. Last evaluated: 2022-07-11. Review status: criteria provided, single submitter. Criteria: Invitae Variant Classification Sherloc (09022015). Collection method: clinical testing. Allele origin: germline.
Comment: In summary, the available evidence is currently insufficient to determine the role of this variant in disease. Therefore, it has been classified as a Variant of Uncertain Significance. Algorithms developed to predict the effect of sequence changes on RNA splicing suggest that this variant may create or strengthen a splice site. Algorithms developed to predict the effect of missense changes on protein structure and function are either unavailable or do not agree on the potential impact of this missense change (SIFT: "Deleterious"; PolyPhen-2: "Benign"; Align-GVGD: "Class C0"). This variant has not been reported in the literature in individuals affected with MSH3-related conditions. This variant is not present in population databases (gnomAD no frequency). This sequence change replaces arginine, which is basic and polar, with threonine, which is neutral and polar, at codon 1061 of the MSH3 protein (p.Arg1061Thr).